The following is an entry in ClinVar:

NM_015629.4(PRPF31):c.325ATC[1] (p.Ile110del)

Genes: PRPF31 (pre-mRNA processing factor 31; plus strand), PRPF31-AS1 (PRPF31 antisense RNA 1; minus strand). Cytogenetic location: 19q13.42.
Variant type: Microsatellite.
Coding change: c.325ATC[1] on transcript NM_015629.4 (MANE Select); one copy of the 3-base unit ATC starting at c.325; the reference has two copies in a row; one copy, 3 bases deleted.
Protein change: p.Ile110del; deletes isoleucine 110.
Molecular consequence: non-coding transcript variant (on NR_186329.1).
Genome position (GRCh38, 1-based): chr19:54,122,502-54,122,504, ATC deleted; deleting any 3 consecutive bases within chr19:54,122,498-54,122,504 gives the same sequence; the position shown is the placement nearest the transcript's 3' end. VCF-style (leftmost placement, unchanged base first): chr19-54122497-ACAT-A. GRCh37 (hg19) VCF-style: chr19-54625876-ACAT-A.
Other names: short protein forms I110del.
Identifiers: ClinVar variation 3723671 (VCV003723671.2).

ClinVar aggregate classification (germline): Pathogenic (1 of 4 stars; one submission).

Submission:

Labcorp Genetics (formerly Invitae), Labcorp
Classification: Pathogenic. Last evaluated: 2025-01-23. Review status: criteria provided, single submitter. Criteria: Invitae Variant Classification Sherloc (09022015). Collection method: clinical testing. Allele origin: germline.
Comment: This variant, c.328_330del, results in the deletion of 1 amino acid(s) of the PRPF31 protein (p.Ile110del), but otherwise preserves the integrity of the reading frame. This variant is not present in population databases (gnomAD no frequency). This variant has been observed in individual(s) with retinitis pigmentosa (PMID: 23559859; internal data). It has also been observed to segregate with disease in related individuals. This variant is also known as p.Ile109del. For these reasons, this variant has been classified as Pathogenic.

Literature cited by the submitters: PubMed 23559859.